The following is an entry in ClinVar:

ClinVar aggregate classification (germline): Conflicting classifications of pathogenicity. Review status: criteria provided, conflicting classifications (1 of 4 stars). 2 submissions from 2 submitters: Uncertain significance (1); Likely benign (1). Last evaluated 2024-03-06.

Conditions:
Familial thoracic aortic aneurysm and aortic dissection (TAAD). Also called: Thoracic aortic aneurysms and dissections. Identifiers: Orphanet 91387, MedGen C4707243, MONDO:0019625.
Marfan syndrome (MFS). Also called: Marfan syndrome, classic; Marfan syndrome type 1; Marfan's syndrome; FBN1-Related Marfan Syndrome; MARFAN SYNDROME, TYPE I. Identifiers: Orphanet 284963, Orphanet 558, MedGen C0024796, MONDO:0007947, OMIM 154700.

Allele frequency attached by ClinVar (database versions not stated): ExAC 0.00001; gnomAD exomes below 0.00001 and 0.00001.
gnomAD v4.1: 7 of 1,614,136 alleles (0.00043%); highest among the groups gnomAD compares: South Asian, 0.0022%; no homozygotes.

Submissions (2):

Color Diagnostics, LLC DBA Color Health
Classification: Uncertain significance for Familial thoracic aortic aneurysm and aortic dissection. Last evaluated: 2024-03-06. Review status: criteria provided, single submitter. Criteria: ACMG Guidelines, 2015. Collection method: clinical testing. Allele origin: germline.
Comment: This missense variant replaces isoleucine with valine at codon 2763 of the FBN1 protein. Computational prediction tool suggests that this variant may not impact protein structure and function (internally defined REVEL score threshold <=0.5, PMID: 27666373). Splice site prediction tools suggest that this variant may not impact RNA splicing. To our knowledge, functional studies have not been performed for this variant. This variant has not been reported in individuals affected with cardiovascular disorders in the literature. This variant has been identified in 2/251326 chromosomes in the general population by the Genome Aggregation Database (gnomAD). The available evidence is insufficient to determine the role of this variant in disease conclusively. Therefore, this variant is classified as a Variant of Uncertain Significance.

Labcorp Genetics (formerly Invitae), Labcorp
Classification: Likely benign for Marfan syndrome; Familial thoracic aortic aneurysm and aortic dissection. Last evaluated: 2022-08-21. Review status: criteria provided, single submitter. Criteria: Invitae Variant Classification Sherloc (09022015). Collection method: clinical testing. Allele origin: germline.

NM_000138.5(FBN1):c.8287A>G (p.Ile2763Val)

Gene: FBN1 (fibrillin 1; minus strand). Cytogenetic location: 15q21.1.
Variant type: single nucleotide variant.
Coding change: c.8287A>G on transcript NM_000138.5 (MANE Select); coding-DNA position 8287, A replaced by G.
Protein change: p.Ile2763Val; replaces isoleucine 2763 with valine.
Molecular consequence: missense variant.
Genome position (GRCh38, 1-based): chr15:48,411,319, T>C on the plus strand (A>G on the coding strand, the complement: FBN1 is on the minus strand). VCF-style: chr15-48411319-T-C. GRCh37 (hg19) VCF-style: chr15-48703516-T-C.
Other names: short protein forms I2763V.
Identifiers: ClinVar variation 925865 (VCV000925865.8), dbSNP rs775172479, ClinGen allele CA059892.